The following is an entry in ClinVar:

ClinVar aggregate classification (germline): Uncertain significance (1 of 4 stars; one submission).

Submission:

GeneDx
Classification: Uncertain significance. Last evaluated: 2024-09-20. Review status: criteria provided, single submitter. Criteria: GeneDx Variant Classification Process June 2021. Collection method: clinical testing. Allele origin: germline. Affected: yes.
Comment: Not observed at significant frequency in large population cohorts (gnomAD); In silico analysis supports that this missense variant has a deleterious effect on protein structure/function; Has not been previously published as pathogenic or benign to our knowledge

NM_001371904.1(APOA5):c.296A>C (p.Glu99Ala)

Gene: APOA5 (apolipoprotein A5; minus strand). Cytogenetic location: 11q23.3.
Variant type: single nucleotide variant.
Coding change: c.296A>C on transcript NM_001371904.1 (MANE Select); coding-DNA position 296, A replaced by C.
Protein change: p.Glu99Ala; replaces glutamic acid 99 with alanine.
Molecular consequence: missense variant.
Genome position (GRCh38, 1-based): chr11:116,790,933, T>G on the plus strand (A>C on the coding strand, the complement: APOA5 is on the minus strand). VCF-style: chr11-116790933-T-G. GRCh37 (hg19) VCF-style: chr11-116661649-T-G.
Other names: c.296A>C, p.Glu99Ala (NM_001166598.2, NM_052968.5); short protein forms E99A.
Identifiers: ClinVar variation 3774264 (VCV003774264.1).